The following is an entry in ClinVar:

ClinVar aggregate classification (germline): Uncertain significance (1 of 4 stars; one submission).

Conditions:
Cortical dysplasia-focal epilepsy syndrome (PTHSL1). Also called: Pitt-Hopkins-like syndrome 1. Identifiers: Orphanet 163681, Orphanet 221150, MedGen C2750246, MONDO:0012400, OMIM 610042.

Allele frequency attached by ClinVar (database versions not stated): TOPMed 0.00002; ExAC 0.00003; gnomAD 0.00005; gnomAD exomes 0.00006.
gnomAD v4.1: 55 of 1,613,994 alleles (0.0034%); highest among the groups gnomAD compares: East Asian, 0.011%; no homozygotes.

Submission:

Labcorp Genetics (formerly Invitae), Labcorp
Classification: Uncertain significance for Cortical dysplasia-focal epilepsy syndrome. Last evaluated: 2022-03-29. Review status: criteria provided, single submitter. Criteria: Invitae Variant Classification Sherloc (09022015). Collection method: clinical testing. Allele origin: germline.
Comment: This sequence change replaces arginine, which is basic and polar, with histidine, which is basic and polar, at codon 300 of the CNTNAP2 protein (p.Arg300His). In summary, the available evidence is currently insufficient to determine the role of this variant in disease. Therefore, it has been classified as a Variant of Uncertain Significance. Algorithms developed to predict the effect of missense changes on protein structure and function are either unavailable or do not agree on the potential impact of this missense change (SIFT: "Deleterious"; PolyPhen-2: "Benign"; Align-GVGD: "Class C0"). ClinVar contains an entry for this variant (Variation ID: 948435). This variant has not been reported in the literature in individuals affected with CNTNAP2-related conditions. This variant is present in population databases (rs748407252, gnomAD 0.03%).

NM_014141.6(CNTNAP2):c.899G>A (p.Arg300His)

Gene: CNTNAP2 (contactin associated protein 2; plus strand). Cytogenetic location: 7q35.
Variant type: single nucleotide variant.
Coding change: c.899G>A on transcript NM_014141.6 (MANE Select); coding-DNA position 899, G replaced by A.
Protein change: p.Arg300His; replaces arginine 300 with histidine.
Molecular consequence: missense variant.
Genome position (GRCh38, 1-based): chr7:147,121,123, G>A. VCF-style: chr7-147121123-G-A. GRCh37 (hg19) VCF-style: chr7-146818215-G-A.
Other names: short protein forms R300H.
Identifiers: ClinVar variation 948435 (VCV000948435.8), dbSNP rs748407252, ClinGen allele CA4545911.